The following is an entry in ClinVar:

ClinVar aggregate classification (germline): Benign. Review status: reviewed by expert panel (3 of 4 stars). 18 submissions from 16 submitters: Benign (1). 17 of the submissions do not count toward it. Last evaluated 2025-01-08.

Conditions:
Autosomal recessive limb-girdle muscular dystrophy. Identifiers: Orphanet 102015, MedGen C2931907, MONDO:0015152.
Neuromuscular disease caused by qualitative or quantitative defects of dysferlin. Also called: Qualitative or quantitative defects of dysferlin; Dysferlinopathy. Identifiers: Orphanet 207073, MedGen C2931687, MONDO:0016145.
Autosomal recessive limb-girdle muscular dystrophy type 2B (LGMDR2). Also called: MUSCULAR DYSTROPHY, LIMB-GIRDLE, TYPE 3; Limb-girdle muscular dystrophy, type 2B; Limb-Girdle Muscular Dystrophy Type 2B (LGMD2B); MUSCULAR DYSTROPHY, LIMB-GIRDLE, AUTOSOMAL RECESSIVE 2. Identifiers: Orphanet 268, MedGen C1850889, MONDO:0009676, OMIM 253601.
Miyoshi muscular dystrophy 1 (MMD1). Identifiers: Orphanet 45448, MedGen C4551973, MONDO:0024545, OMIM 254130.
Distal myopathy with anterior tibial onset. Identifiers: Orphanet 178400, MedGen C1847532, MONDO:0011721, OMIM 606768.

Allele frequency attached by ClinVar (database versions not stated): gnomAD exomes 0.02856 and 0.02995; ExAC 0.03053; gnomAD 0.03282 and 0.03329; TOPMed 0.03356; 1000 Genomes Project 0.03574; 1000 Genomes Project 30x 0.03576; ESP Exome Variant Server 0.03614.
gnomAD v4.1: 48,953 of 1,614,130 alleles (3%); highest among the groups gnomAD compares: Middle Eastern, 6.2%; 913 homozygotes.

Submissions (18):

ClinGen Limb Girdle Muscular Dystrophy Variant Curation Expert Panel, ClinGen
Classification: Benign for Autosomal recessive limb-girdle muscular dystrophy. Last evaluated: 2025-01-08. Review status: reviewed by expert panel. Criteria: ClinGen LGMD VCEP ACMG Specifications DYSF V1.0.0. Collection method: curation. Allele origin: germline. Inheritance: Autosomal recessive inheritance.
Comment: The NM_003494.4: c.1860C>T (p.Tyr620=) variant in DYSF, which is also known as NM_001130987.2: c.1914C>T (p.Tyr638=), is a synonymous (silent) variant that is not located in a splice region (outside of the first and the last 3 bases of the exon). The filtering allele frequency is 0.05612 for South Asian exome chromosomes in gnomAD v2.1.1 (the lower threshold of the 95% CI of 1787/30616), which is higher than the VCEP threshold of 0.003 (BA1). The SpliceAI prediction score for this variant is 0.08, which is greater than the VCEP threshold of <0.05 (BP4 and BP7 not applied). In summary, this variant meets the criteria to be classified as Benign for autosomal recessive limb girdle muscular dystrophy based on the ACMG/AMP criteria applied, as specified by the ClinGen LGMD VCEP (LGMD VCEP specifications version 1.0.0; 01/08/2025): BA1.

Labcorp Genetics (formerly Invitae), Labcorp
Classification: Benign for Neuromuscular disease caused by qualitative or quantitative defects of dysferlin. Last evaluated: 2026-02-04. Review status: criteria provided, single submitter. Criteria: Invitae Variant Classification Sherloc (09022015). Collection method: clinical testing. Allele origin: germline. Not counted in ClinVar's aggregate classification.

Athena Diagnostics
Classification: Benign. Last evaluated: 2025-03-13. Review status: criteria provided, single submitter. Criteria: Athena Diagnostics Criteria. Collection method: clinical testing. Allele origin: unknown. Not counted in ClinVar's aggregate classification.
Comment: The frequency of this variant in the general population is higher than would generally be expected for pathogenic variants in this gene. Computational tools yielded predictions that this variant is unlikely to have an effect on normal RNA splicing. This nucleotide position exhibits low evolutionary conservation.

Blueprint Genetics
Classification: Benign. Last evaluated: 2024-11-26. Review status: criteria provided, single submitter. Criteria: ACMG Guidelines, 2015. Collection method: clinical testing. Allele origin: germline. Not counted in ClinVar's aggregate classification.

Genome-Nilou Lab
Classification: Benign for Autosomal recessive limb-girdle muscular dystrophy type 2B. Last evaluated: 2021-07-30. Review status: criteria provided, single submitter. Criteria: ACMG Guidelines, 2015. Collection method: clinical testing. Allele origin: germline. Affected: no. Not counted in ClinVar's aggregate classification.

Genome-Nilou Lab
Classification: Benign for Distal myopathy with anterior tibial onset. Last evaluated: 2021-07-30. Review status: criteria provided, single submitter. Criteria: ACMG Guidelines, 2015. Collection method: clinical testing. Allele origin: germline. Affected: no. Not counted in ClinVar's aggregate classification.

Genome-Nilou Lab
Classification: Benign for Miyoshi muscular dystrophy 1. Last evaluated: 2021-06-10. Review status: criteria provided, single submitter. Criteria: ACMG Guidelines, 2015. Collection method: clinical testing. Allele origin: germline. Affected: no. Not counted in ClinVar's aggregate classification.

Illumina Laboratory Services, Illumina
Classification: Likely benign for Qualitative or quantitative defects of dysferlin. Last evaluated: 2018-01-12. Review status: criteria provided, single submitter. Criteria: ICSL Variant Classification Criteria 13 December 2019. Collection method: clinical testing. Allele origin: germline. Not counted in ClinVar's aggregate classification.
Comment: This variant was observed in the ICSL laboratory as part of a predisposition screen in an ostensibly healthy population. It had not been previously curated by ICSL or reported in the Human Gene Mutation Database (HGMD: prior to June 1st, 2018), and was therefore a candidate for classification through an automated scoring system. Utilizing variant allele frequency, disease prevalence and penetrance estimates, and inheritance mode, an automated score was calculated to assess if this variant is too frequent to cause the disease. Based on the score and internal cut-off values, a variant classified as likely benign is not then subjected to further curation. The score for this variant resulted in a classification of likely benign for this disease.

Mayo Clinic Laboratories, Mayo Clinic
Classification: Benign. Last evaluated: 2017-07-21. Review status: criteria provided, single submitter. Criteria: ACMG Guidelines, 2015. Collection method: clinical testing. Allele origin: germline. Observed: 71 variant alleles. Not counted in ClinVar's aggregate classification.

GeneDx
Classification: Benign. Last evaluated: 2016-02-11. Review status: criteria provided, single submitter. Criteria: GeneDx Variant Classification (06012015). Collection method: clinical testing. Allele origin: germline. Affected: yes. Not counted in ClinVar's aggregate classification.
Comment: This variant is considered likely benign or benign based on one or more of the following criteria: it is a conservative change, it occurs at a poorly conserved position in the protein, it is predicted to be benign by multiple in silico algorithms, and/or has population frequency not consistent with disease.

Laboratory for Molecular Medicine, Mass General Brigham Personalized Medicine
Classification: Benign. Last evaluated: 2015-01-13. Review status: criteria provided, single submitter. Criteria: LMM Criteria. Collection method: clinical testing. Allele origin: germline. Observed: 1 variant allele. Not counted in ClinVar's aggregate classification.
Comment: p.Tyr638Tyr in exon 20 of DYSF: This variant is not expected to have clinical si gnificance because it does not alter an amino acid residue and is not located wi thin the splice consensus sequence. It has been identified in 4.7% (209/4406) of African American chromosomes from a broad population by the NHLBI Exome Sequenc ing Project (dbSNP rs35721373).

Eurofins Ntd Llc (ga)
Classification: Benign. Last evaluated: 2012-08-15. Review status: criteria provided, single submitter. Criteria: EGL Classification Definitions 2015. Collection method: clinical testing. Allele origin: germline. Observed: 13 variant alleles, 12 heterozygotes, 1 homozygote. Not counted in ClinVar's aggregate classification.

Breakthrough Genomics
Classification: Likely benign. Review status: criteria provided, single submitter. Criteria: ACMG Guidelines, 2015. Collection method: not provided. Allele origin: germline. Inheritance: Autosomal recessive inheritance. Affected: yes. Not counted in ClinVar's aggregate classification.

PreventionGenetics, part of Exact Sciences
Classification: Benign. Review status: criteria provided, single submitter. Criteria: ACMG Guidelines, 2015. Collection method: clinical testing. Allele origin: germline. Not counted in ClinVar's aggregate classification.

Natera, Inc.
Classification: Benign for Limb-girdle muscular dystrophy type 2B. Last evaluated: 2020-09-16. Review status: no assertion criteria provided. Collection method: clinical testing. Allele origin: germline. Not counted in ClinVar's aggregate classification.

Clinical Genetics, Academic Medical Center
Classification: Benign. Review status: no assertion criteria provided. Collection method: clinical testing. Allele origin: germline. Affected: yes. Study: VKGL Data-share Consensus. Not counted in ClinVar's aggregate classification.

Genetic Services Laboratory, University of Chicago
Classification: Likely benign for AllHighlyPenetrant. Review status: no assertion criteria provided. Collection method: clinical testing. Allele origin: germline. Inheritance: Autosomal recessive inheritance. Not counted in ClinVar's aggregate classification.
Comment: Likely benign based on allele frequency in 1000 Genomes Project or ESP global frequency and its presence in a patient with a rare or unrelated disease phenotype. NOT Sanger confirmed.

Laboratory of Diagnostic Genome Analysis, Leiden University Medical Center (LUMC)
Classification: Likely benign. Review status: no assertion criteria provided. Collection method: clinical testing. Allele origin: germline. Affected: yes. Study: VKGL Data-share Consensus. Not counted in ClinVar's aggregate classification.

Literature cited by the submitters: PubMed 12796534 (cited by Athena Diagnostics); PubMed 24838345 (cited by Athena Diagnostics).

NM_001130987.2(DYSF):c.1914C>T (p.Tyr638=)

Gene: DYSF (dysferlin; plus strand). Cytogenetic location: 2p13.2.
Variant type: single nucleotide variant.
Coding change: c.1914C>T on transcript NM_001130987.2 (MANE Select); coding-DNA position 1914, C replaced by T.
Protein change: p.Tyr638=; no amino-acid change (tyrosine 638 retained).
Molecular consequence: synonymous variant.
Genome position (GRCh38, 1-based): chr2:71,553,118, C>T. VCF-style: chr2-71553118-C-T. GRCh37 (hg19) VCF-style: chr2-71780248-C-T.
Other names: NM_001130987.2(DYSF):c.1914C>T; p.Tyr638=; p.Tyr620=; c.1863C>T, p.Tyr621= (NM_001130455.2, NM_001130983.2); c.1818C>T, p.Tyr606= (NM_001130976.2, NM_001130977.2); c.1860C>T, p.Tyr620= (NM_001130978.2, NM_003494.4); c.1953C>T, p.Tyr651= (NM_001130979.2); c.1911C>T, p.Tyr637= (NM_001130980.2, NM_001130981.2); and 3 more.
Identifiers: ClinVar variation 94282 (VCV000094282.38), dbSNP rs35721373, ClinGen allele CA147728.